The following is an entry in ClinVar:

ClinVar aggregate classification (germline): Uncertain significance (1 of 4 stars; one submission).

Submission:

Women's Health and Genetics/Laboratory Corporation of America, LabCorp
Classification: Uncertain significance. Last evaluated: 2023-07-26. Review status: criteria provided, single submitter. Criteria: LabCorp Variant Classification Summary - May 2015. Collection method: clinical testing. Allele origin: germline.
Comment: Variant summary: SYN1 c.1765G>A (p.Gly589Ser) results in a non-conservative amino acid change in the encoded protein sequence. Three of five in-silico tools predict a benign effect of the variant on protein function. The variant was absent in 37985 control chromosomes (gnomAD). The available data on variant occurrences in the general population are insufficient to allow any conclusion about variant significance. To our knowledge, no occurrence of c.1765G>A in individuals affected with SYN1-Related Disorders and no experimental evidence demonstrating its impact on protein function have been reported. No submitters have cited clinical-significance assessments for this variant to ClinVar after 2014. Based on the evidence outlined above, the variant was classified as uncertain significance.

NM_006950.3(SYN1):c.1765G>A (p.Gly589Ser)

Gene: SYN1 (synapsin I; minus strand). Cytogenetic location: Xp11.3.
Variant type: single nucleotide variant.
Coding change: c.1765G>A on transcript NM_006950.3 (MANE Select); coding-DNA position 1765, G replaced by A.
Protein change: p.Gly589Ser; replaces glycine 589 with serine.
Molecular consequence: missense variant.
Genome position (GRCh38, 1-based): chrX:47,574,219, C>T on the plus strand (G>A on the coding strand, the complement: SYN1 is on the minus strand). VCF-style: chrX-47574219-C-T. GRCh37 (hg19) VCF-style: chrX-47433618-C-T.
Other names: c.1765G>A, p.Gly589Ser (NM_133499.2); short protein forms G589S.
Identifiers: ClinVar variation 2577190 (VCV002577190.1), dbSNP rs2519684688, ClinGen allele CA412822646.
Genomic context (GRCh38, chrX:47,574,219, plus strand): 5'-GACCCGCCTGGCTGGCCTGGCGTGTGGGGCCGGCTGGGCCTGGGGGTTTCTGGGGCGGGC[C>T]CTGGCGCTGCTGCCCGCCCGGTGGGGCCCCAGAGGCCTTTGGCGGAGCCGGGCCAGAGAC-3'
Protein context (NP_008881.2, residues 579-599): GAPPGGQQRQ[Gly589Ser]PPQKPPGPAG